The following is an entry in ClinVar:

ClinVar aggregate classification (germline): Uncertain significance (1 of 4 stars; one submission).

Conditions:
Glycogen storage disease, type V (GSD5). Also called: McArdle type glycogen storage disease; MCARDLE DISEASE; MUSCLE GLYCOGEN PHOSPHORYLASE DEFICIENCY; MYOPHOSPHORYLASE DEFICIENCY; PYGM DEFICIENCY. Identifiers: Orphanet 368, MedGen C0017924, MONDO:0009293, OMIM 232600.

Allele frequency attached by ClinVar (database versions not stated): TOPMed 0.00002.

Submission:

Labcorp Genetics (formerly Invitae), Labcorp
Classification: Uncertain significance for Glycogen storage disease, type V. Last evaluated: 2022-06-24. Review status: criteria provided, single submitter. Criteria: Invitae Variant Classification Sherloc (09022015). Collection method: clinical testing. Allele origin: germline.
Comment: This sequence change replaces arginine, which is basic and polar, with glutamine, which is neutral and polar, at codon 800 of the PYGM protein (p.Arg800Gln). This variant is not present in population databases (gnomAD no frequency). This variant has not been reported in the literature in individuals affected with PYGM-related conditions. Algorithms developed to predict the effect of missense changes on protein structure and function output the following: SIFT: "Not Available"; PolyPhen-2: "Benign"; Align-GVGD: "Not Available". The glutamine amino acid residue is found in multiple mammalian species, which suggests that this missense change does not adversely affect protein function. In summary, the available evidence is currently insufficient to determine the role of this variant in disease. Therefore, it has been classified as a Variant of Uncertain Significance.

NM_005609.4(PYGM):c.2399G>A (p.Arg800Gln)

Gene: PYGM (glycogen phosphorylase, muscle associated; minus strand). Cytogenetic location: 11q13.1.
Variant type: single nucleotide variant.
Coding change: c.2399G>A on transcript NM_005609.4 (MANE Select); coding-DNA position 2399, G replaced by A.
Protein change: p.Arg800Gln; replaces arginine 800 with glutamine.
Molecular consequence: missense variant.
Genome position (GRCh38, 1-based): chr11:64,746,789, C>T on the plus strand (G>A on the coding strand, the complement: PYGM is on the minus strand). VCF-style: chr11-64746789-C-T. GRCh37 (hg19) VCF-style: chr11-64514261-C-T.
Other names: c.2135G>A, p.Arg712Gln (NM_001164716.1); short protein forms R712Q, R800Q.
Identifiers: ClinVar variation 2146017 (VCV002146017.1), dbSNP rs1476157353, ClinGen allele CA381163835.